The following is an entry in ClinVar:

NM_018136.5(ASPM):c.1683G>C (p.Glu561Asp)

Gene: ASPM (assembly factor for spindle microtubules; minus strand). Cytogenetic location: 1q31.3.
Variant type: single nucleotide variant.
Coding change: c.1683G>C on transcript NM_018136.5 (MANE Select); coding-DNA position 1683, G replaced by C.
Protein change: p.Glu561Asp; replaces glutamic acid 561 with aspartic acid.
Molecular consequence: missense variant.
Genome position (GRCh38, 1-based): chr1:197,142,569, C>G on the plus strand (G>C on the coding strand, the complement: ASPM is on the minus strand). VCF-style: chr1-197142569-C-G. GRCh37 (hg19) VCF-style: chr1-197111699-C-G.
Other names: c.1683G>C, p.Glu561Asp (NM_001206846.2); short protein forms E561D.
Identifiers: ClinVar variation 1920074 (VCV001920074.3), dbSNP rs1270925805, ClinGen allele CA344014893.

ClinVar aggregate classification (germline): Uncertain significance (1 of 4 stars; one submission).

Allele frequency attached by ClinVar (database versions not stated): gnomAD exomes below 0.00001; gnomAD 0.00003.
gnomAD v4.1: 12 of 1,613,796 alleles (0.00074%); highest among the groups gnomAD compares: Admixed American, 0.017%; no homozygotes.

Submission:

Labcorp Genetics (formerly Invitae), Labcorp
Classification: Uncertain significance. Last evaluated: 2024-10-17. Review status: criteria provided, single submitter. Criteria: Invitae Variant Classification Sherloc (09022015). Collection method: clinical testing. Allele origin: germline.
Comment: This sequence change replaces glutamic acid, which is acidic and polar, with aspartic acid, which is acidic and polar, at codon 561 of the ASPM protein (p.Glu561Asp). This variant is present in population databases (no rsID available, gnomAD 0.009%). This variant has not been reported in the literature in individuals affected with ASPM-related conditions. ClinVar contains an entry for this variant (Variation ID: 1920074). Invitae Evidence Modeling of protein sequence and biophysical properties (such as structural, functional, and spatial information, amino acid conservation, physicochemical variation, residue mobility, and thermodynamic stability) indicates that this missense variant is not expected to disrupt ASPM protein function with a negative predictive value of 80%. In summary, the available evidence is currently insufficient to determine the role of this variant in disease. Therefore, it has been classified as a Variant of Uncertain Significance.